The following is an entry in ClinVar:

NM_000038.6(APC):c.5876C>T (p.Thr1959Ile)

Gene: APC (APC regulator of Wnt signaling pathway; plus strand). Cytogenetic location: 5q22.2.
Variant type: single nucleotide variant.
Coding change: c.5876C>T on transcript NM_000038.6 (MANE Select); coding-DNA position 5876, C replaced by T.
Protein change: p.Thr1959Ile; replaces threonine 1959 with isoleucine.
Molecular consequence: missense variant. On other transcripts: non-coding transcript variant (2).
Genome position (GRCh38, 1-based): chr5:112,841,470, C>T. VCF-style: chr5-112841470-C-T. GRCh37 (hg19) VCF-style: chr5-112177167-C-T.
Other names: c.5876C>T (NM_000038.5); c.5876C>T, p.Thr1959Ile (NM_001127510.3, NM_001354895.2, NM_001407450.1); c.5822C>T, p.Thr1941Ile (NM_001127511.3); c.5930C>T, p.Thr1977Ile (NM_001354896.2, NM_001407447.1, NM_001407448.1 and 1 more transcripts); c.5906C>T, p.Thr1969Ile (NM_001354897.2); c.5801C>T, p.Thr1934Ile (NM_001354898.2); c.5792C>T, p.Thr1931Ile (NM_001354899.2); c.5753C>T, p.Thr1918Ile (NM_001354900.2); and 12 more; short protein forms T1575I, T1676I, T1799I, T1830I, T1833I, T1858I, T1868I, T1876I.
Identifiers: ClinVar variation 3074398 (VCV003074398.4), dbSNP rs1060503320, ClinGen allele CA16034191.
Genomic context (GRCh38, chr5:112,841,470, plus strand): 5'-ACATACCAGACAGAGGGGCAGCAACTGATGAAAAGTTACAGAATTTTGCTATTGAAAATA[C>T]TCCGGTTTGCTTTTCTCATAATTCCTCTCTGAGTTCTCTCAGTGACATTGACCAAGAAAA-3'
Protein context (NP_000029.2, residues 1949-1969): EKLQNFAIEN[Thr1959Ile]PVCFSHNSSL

ClinVar aggregate classification (germline): Uncertain significance. Review status: criteria provided, multiple submitters, no conflicts (2 of 4 stars). 3 submissions from 3 submitters: Uncertain significance (3). Last evaluated 2026-02-03.

Conditions:
Hereditary cancer-predisposing syndrome. Also called: Neoplastic Syndromes, Hereditary; Tumor predisposition; Hereditary Cancer Syndrome; Hereditary neoplastic syndrome. Identifiers: Orphanet 140162, MedGen C0027672, MeSH D009386, MONDO:0015356.
Classic or attenuated familial adenomatous polyposis. Identifiers: MedGen CN372698, MONDO:0021057.
Familial adenomatous polyposis 1 (FAP1). Also called: FAMILIAL ADENOMATOUS POLYPOSIS 1, ATTENUATED; POLYPOSIS, ADENOMATOUS INTESTINAL. Identifiers: MedGen C2713442, MONDO:0021056, OMIM 175100. Disease mechanism: loss of function.

Submissions (3):

Ambry Genetics
Classification: Uncertain significance for Hereditary cancer-predisposing syndrome. Last evaluated: 2026-02-03. Review status: criteria provided, single submitter. Criteria: Ambry Variant Classification Scheme 2023. Collection method: clinical testing. Allele origin: germline.
Comment: The p.T1959I variant (also known as c.5876C>T), located in coding exon 15 of the APC gene, results from a C to T substitution at nucleotide position 5876. The threonine at codon 1959 is replaced by isoleucine, an amino acid with similar properties. This amino acid position is highly conserved in available vertebrate species. In addition, in silico predictors for this gene do not accurately predict pathogenicity. Based on the available evidence, the clinical significance of this variant remains unclear.

Labcorp Genetics (formerly Invitae), Labcorp
Classification: Uncertain significance for Familial adenomatous polyposis 1. Last evaluated: 2025-10-01. Review status: criteria provided, single submitter. Criteria: Invitae Variant Classification Sherloc (09022015). Collection method: clinical testing. Allele origin: germline.
Comment: This sequence change replaces threonine, which is neutral and polar, with isoleucine, which is neutral and non-polar, at codon 1959 of the APC protein (p.Thr1959Ile). This variant is not present in population databases (gnomAD no frequency). This variant has not been reported in the literature in individuals affected with APC-related conditions. ClinVar contains an entry for this variant (Variation ID: 3074398). Invitae Evidence Modeling of protein sequence and biophysical properties (such as structural, functional, and spatial information, amino acid conservation, physicochemical variation, residue mobility, and thermodynamic stability) indicates that this missense variant is not expected to disrupt APC protein function with a negative predictive value of 95%. In summary, the available evidence is currently insufficient to determine the role of this variant in disease. Therefore, it has been classified as a Variant of Uncertain Significance.

All of Us Research Program, National Institutes of Health
Classification: Uncertain significance for Classic or attenuated familial adenomatous polyposis. Last evaluated: 2023-11-02. Review status: criteria provided, single submitter. Criteria: ACMG Guidelines, 2015. Collection method: clinical testing. Allele origin: germline. Inheritance: Autosomal dominant inheritance. Observed: 1 variant allele, 1 heterozygote.
Comment: This missense variant replaces threonine with isoleucine at codon 1959 of the APC protein. Computational prediction suggests that this variant may have deleterious impact on protein structure and function (internally defined REVEL score threshold >= 0.7, PMID: 27666373). To our knowledge, functional studies have not been reported for this variant. This variant has not been reported in individuals affected with APC-related disorders in the literature. This variant has not been identified in the general population by the Genome Aggregation Database (gnomAD). The available evidence is insufficient to determine the role of this variant in disease conclusively. Therefore, this variant is classified as a Variant of Uncertain Significance.

This study involves interpretation of variants in research participants for the purpose of population health screening. Participant phenotype was not available at the time of variant classification. Additional details can be found in publication PMID: 35346344, PMCID: PMC8962531